The following is an entry in ClinVar:

ClinVar aggregate classification (germline): Uncertain significance (1 of 4 stars; one submission).

Conditions:
Charcot-Marie-Tooth disease type 2. Also called: Charcot-Marie-Tooth type 2. Identifiers: Orphanet 64746, MedGen C0270914, MONDO:0018993.

Allele frequency attached by ClinVar (database versions not stated): TOPMed 0.00001.
gnomAD v4.1: 1 of 1,614,084 alleles (0.000062%); highest among the groups gnomAD compares: Admixed American, 0.0017%; no homozygotes.

Submission:

Labcorp Genetics (formerly Invitae), Labcorp
Classification: Uncertain significance for Charcot-Marie-Tooth disease type 2. Last evaluated: 2020-12-17. Review status: criteria provided, single submitter. Criteria: Invitae Variant Classification Sherloc (09022015). Collection method: clinical testing. Allele origin: germline.
Comment: In summary, the available evidence is currently insufficient to determine the role of this variant in disease. Therefore, it has been classified as a Variant of Uncertain Significance. Algorithms developed to predict the effect of missense changes on protein structure and function are either unavailable or do not agree on the potential impact of this missense change (SIFT: "Deleterious"; PolyPhen-2: "Probably Damaging"; Align-GVGD: "Class C0"). This variant has not been reported in the literature in individuals with BSCL2-related disease. This variant is present in population databases (rs780387759, ExAC 0.009%). This sequence change replaces arginine with proline at codon 25 of the BSCL2 protein (p.Arg25Pro). The arginine residue is highly conserved and there is a moderate physicochemical difference between arginine and proline.

NM_001122955.4(BSCL2):c.266G>C (p.Arg89Pro)

Genes: HNRNPUL2-BSCL2 (HNRNPUL2-BSCL2 readthrough (NMD candidate); minus strand), BSCL2 (BSCL2 lipid droplet biogenesis associated, seipin; minus strand). Cytogenetic location: 11q12.3.
Variant type: single nucleotide variant.
Coding change: c.266G>C on transcript NM_001122955.4 (MANE Select); coding-DNA position 266, G replaced by C.
Protein change: p.Arg89Pro; replaces arginine 89 with proline.
Molecular consequence: missense variant. On other transcripts: non-coding transcript variant (1).
Genome position (GRCh38, 1-based): chr11:62,705,439, C>G on the plus strand (G>C on the coding strand, the complement: BSCL2 is on the minus strand). VCF-style: chr11-62705439-C-G. GRCh37 (hg19) VCF-style: chr11-62472911-C-G.
Other names: c.74G>C, p.Arg25Pro (NM_001130702.2, NM_032667.6); c.266G>C, p.Arg89Pro (NM_001386027.1, NM_001386028.1); short protein forms R25P, R89P.
Identifiers: ClinVar variation 648966 (VCV000648966.10), dbSNP rs780387759, ClinGen allele CA6053629.
Genomic context (GRCh38, chr11:62,705,439, plus strand): 5'-GACACCCAGAGCAAAAGGAGGATGGTGCAGAAGAGCACCCCAAACTGCAGCAGCAGCCTG[C>G]GGGCACGGCCTGCCAAGACTTGGCCCACCTCCTGGGCCCACAGTAAGGCAGGTACTGGAG-3'
Protein context (NP_001116427.1, residues 79-99): EVGQVLAGRA[Arg89Pro]RLLLQFGVLF